The following is an entry in ClinVar:

ClinVar aggregate classification (germline): Uncertain significance (1 of 4 stars; one submission).

Allele frequency attached by ClinVar (database versions not stated): ExAC 0.00023; ESP Exome Variant Server 0.00023; TOPMed 0.00031; gnomAD 0.00032.
gnomAD v4.1: 691 of 1,613,374 alleles (0.043%); highest among the groups gnomAD compares: Non-Finnish European, 0.054%; no homozygotes.

Submission:

Labcorp Genetics (formerly Invitae), Labcorp
Classification: Uncertain significance. Last evaluated: 2026-01-06. Review status: criteria provided, single submitter. Criteria: Invitae Variant Classification Sherloc (09022015). Collection method: clinical testing. Allele origin: germline.
Comment: This sequence change replaces glycine, which is neutral and non-polar, with valine, which is neutral and non-polar, at codon 422 of the PTDSS1 protein (p.Gly422Val). This variant is present in population databases (rs141163428, gnomAD 0.04%), and has an allele count higher than expected for a pathogenic variant. This variant has not been reported in the literature in individuals affected with PTDSS1-related conditions. ClinVar contains an entry for this variant (Variation ID: 2142165). An algorithm developed to predict the effect of missense changes on protein structure and function (PolyPhen-2) suggests that this variant is likely to be tolerated. In summary, the available evidence is currently insufficient to determine the role of this variant in disease. Therefore, it has been classified as a Variant of Uncertain Significance.

NM_014754.3(PTDSS1):c.1265G>T (p.Gly422Val)

Gene: PTDSS1 (phosphatidylserine synthase 1; plus strand). Cytogenetic location: 8q22.1.
Variant type: single nucleotide variant.
Coding change: c.1265G>T on transcript NM_014754.3 (MANE Select); coding-DNA position 1265, G replaced by T.
Protein change: p.Gly422Val; replaces glycine 422 with valine.
Molecular consequence: missense variant.
Genome position (GRCh38, 1-based): chr8:96,331,048, G>T. VCF-style: chr8-96331048-G-T. GRCh37 (hg19) VCF-style: chr8-97343276-G-T.
Other names: c.827G>T, p.Gly276Val (NM_001290225.2); short protein forms G422V, G276V.
Identifiers: ClinVar variation 2142165 (VCV002142165.4), dbSNP rs141163428, ClinGen allele CA4816805.